The following is an entry in ClinVar:

NM_052989.3(IFT122):c.2675G>C (p.Arg892Thr)

Gene: IFT122 (intraflagellar transport 122; plus strand). Cytogenetic location: 3q22.1.
Variant type: single nucleotide variant.
Coding change: c.2675G>C on transcript NM_052989.3 (MANE Select); coding-DNA position 2675, G replaced by C.
Protein change: p.Arg892Thr; replaces arginine 892 with threonine.
Molecular consequence: missense variant.
Genome position (GRCh38, 1-based): chr3:129,506,433, G>C. VCF-style: chr3-129506433-G-C. GRCh37 (hg19) VCF-style: chr3-129225276-G-C.
Other names: c.2342G>C, p.Arg781Thr (NM_052990.3, NM_001410815.1); c.2288G>C, p.Arg763Thr (NM_001410817.1); c.2498G>C, p.Arg833Thr (NM_018262.4, NM_001410810.1); c.2828G>C, p.Arg943Thr (NM_052985.4); c.2651G>C, p.Arg884Thr (NM_001280541.2); c.2225G>C, p.Arg742Thr (NM_001280545.2); c.2048G>C, p.Arg683Thr (NM_001280546.2); c.2675G>C, p.Arg892Thr (NM_001410808.1); and 2 more; short protein forms R943T, R683T, R763T, R815T, R781T, R833T, R884T, R892T.
Identifiers: ClinVar variation 3859604 (VCV003859604.2).

ClinVar aggregate classification (germline): Uncertain significance. Review status: criteria provided, multiple submitters, no conflicts (2 of 4 stars). 2 submissions from 2 submitters: Uncertain significance (2). Last evaluated 2025-07-28.

Conditions:
Cranioectodermal dysplasia 1 (CED1). Also called: LEVIN SYNDROME I. Identifiers: Orphanet 1515, MedGen C0432235, MONDO:0021093, OMIM 218330.
Inborn genetic diseases. Identifiers: MedGen C0950123, MeSH D030342.

gnomAD v4.1: 2 of 1,613,918 alleles (0.00012%); highest among the groups gnomAD compares: Admixed American, 0.0017%; no homozygotes.

Submissions (2):

Labcorp Genetics (formerly Invitae), Labcorp
Classification: Uncertain significance for Cranioectodermal dysplasia 1. Last evaluated: 2025-07-28. Review status: criteria provided, single submitter. Criteria: Invitae Variant Classification Sherloc (09022015). Collection method: clinical testing. Allele origin: germline.
Comment: This sequence change replaces arginine, which is basic and polar, with threonine, which is neutral and polar, at codon 943 of the IFT122 protein (p.Arg943Thr). This variant is present in population databases (rs758473452, gnomAD 0.0009%). This variant has not been reported in the literature in individuals affected with IFT122-related conditions. ClinVar contains an entry for this variant (Variation ID: 3859604). Invitae Evidence Modeling of protein sequence and biophysical properties (such as structural, functional, and spatial information, amino acid conservation, physicochemical variation, residue mobility, and thermodynamic stability) indicates that this missense variant is not expected to disrupt IFT122 protein function with a negative predictive value of 80%. In summary, the available evidence is currently insufficient to determine the role of this variant in disease. Therefore, it has been classified as a Variant of Uncertain Significance.

Ambry Genetics
Classification: Uncertain significance for Inborn genetic diseases. Last evaluated: 2024-12-17. Review status: criteria provided, single submitter. Criteria: Ambry Variant Classification Scheme 2023. Collection method: clinical testing. Allele origin: germline.